The following is an entry in ClinVar:

NM_000608.4(ORM2):c.6G>A (p.Ala2=)

Gene: ORM2 (orosomucoid 2; plus strand). Cytogenetic location: 9q32.
Variant type: single nucleotide variant.
Coding change: c.6G>A on transcript NM_000608.4 (MANE Select); coding-DNA position 6, G replaced by A.
Protein change: p.Ala2=; no amino-acid change (alanine 2 retained).
Molecular consequence: synonymous variant.
Genome position (GRCh38, 1-based): chr9:114,329,910, G>A. VCF-style: chr9-114329910-G-A. GRCh37 (hg19) VCF-style: chr9-117092190-G-A.
Identifiers: ClinVar variation 3388113 (VCV003388113.14).

ClinVar aggregate classification (germline): Likely benign (1 of 4 stars; one submission).

gnomAD v4.1: 98 of 1,386,230 alleles (0.0071%); highest among the groups gnomAD compares: East Asian, 0.037%; 1 homozygote.

Submission:

CeGaT Center for Human Genetics Tuebingen
Classification: Likely benign. Last evaluated: 2024-11-01. Review status: criteria provided, single submitter. Criteria: CeGaT Center For Human Genetics Tuebingen Variant Classification Criteria Version 2. Collection method: clinical testing. Allele origin: germline. Affected: yes. Observed: 1 variant allele.
Comment: ORM2: BP4, BP7